The following is an entry in ClinVar:

ClinVar aggregate classification (germline): Uncertain significance (1 of 4 stars; one submission).

Allele frequency attached by ClinVar (database versions not stated): gnomAD exomes below 0.00001; ExAC 0.00001; gnomAD 0.00001; 1000 Genomes Project 30x 0.00016; 1000 Genomes Project 0.00020.
gnomAD v4.1: 2 of 1,613,906 alleles (0.00012%); highest among the groups gnomAD compares: South Asian, 0.0022%; no homozygotes.

Submission:

Laboratorio de Genetica e Diagnostico Molecular, Hospital Israelita Albert Einstein
Classification: Uncertain significance. Last evaluated: 2020-03-10. Review status: criteria provided, single submitter. Criteria: ACMG Guidelines, 2015. Collection method: clinical testing. Allele origin: germline. Affected: yes.
Comment: ACMG classification criteria: PM2, BP4

NM_005993.5(TBCD):c.295G>A (p.Val99Ile)

Gene: TBCD (tubulin folding cofactor D). Cytogenetic location: 17q25.3.
Variant type: single nucleotide variant.
Coding change: c.295G>A on transcript NM_005993.5 (MANE Select); coding-DNA position 295, G replaced by A.
Protein change: p.Val99Ile; replaces valine 99 with isoleucine.
Molecular consequence: missense variant.
Genome position (GRCh38, 1-based): chr17:82,764,024, G>A. VCF-style: chr17-82764024-G-A. GRCh37 (hg19) VCF-style: chr17-80721900-G-A.
Other names: short protein forms V99I.
Identifiers: ClinVar variation 1690834 (VCV001690834.2), dbSNP rs535565721, ClinGen allele CA8861551.